The following is an entry in ClinVar:

ClinVar aggregate classification (germline): Uncertain significance (1 of 4 stars; one submission).

Submission:

GeneDx
Classification: Uncertain significance. Last evaluated: 2025-03-28. Review status: criteria provided, single submitter. Criteria: GeneDx Variant Classification Process June 2021. Collection method: clinical testing. Allele origin: germline. Affected: yes.
Comment: Not observed at significant frequency in large population cohorts (gnomAD); In silico analysis indicates that this missense variant does not alter protein structure/function; Has not been previously published as pathogenic or benign to our knowledge

NM_003923.3(FOXH1):c.907T>C (p.Cys303Arg)

Gene: FOXH1 (forkhead box H1; minus strand). Cytogenetic location: 8q24.3.
Variant type: single nucleotide variant.
Coding change: c.907T>C on transcript NM_003923.3 (MANE Select); coding-DNA position 907, T replaced by C.
Protein change: p.Cys303Arg; replaces cysteine 303 with arginine.
Molecular consequence: missense variant.
Genome position (GRCh38, 1-based): chr8:144,474,429, A>G on the plus strand (T>C on the coding strand, the complement: FOXH1 is on the minus strand). VCF-style: chr8-144474429-A-G. GRCh37 (hg19) VCF-style: chr8-145699812-A-G.
Other names: short protein forms C303R.
Identifiers: ClinVar variation 4088216 (VCV004088216.1).